The following is an entry in ClinVar:

ClinVar aggregate classification (germline): Pathogenic (1 of 4 stars; one submission).

Conditions:
3-methylcrotonyl-CoA carboxylase 2 deficiency. Also called: 3 alpha methylcrotonyl-CoA carboxylase 2 deficiency; 3 alpha methylcrotonylglycinuria 2; MCC 2 deficiency; Methylcrotonylglycinuria type 2; METHYLCROTONYLGLYCINURIA, TYPE II. Identifiers: Orphanet 6, MedGen C1859499, MONDO:0008862, OMIM 210210.

Submission:

Labcorp Genetics (formerly Invitae), Labcorp
Classification: Pathogenic for 3-methylcrotonyl-CoA carboxylase 2 deficiency. Last evaluated: 2025-01-15. Review status: criteria provided, single submitter. Criteria: Invitae Variant Classification Sherloc (09022015). Collection method: clinical testing. Allele origin: germline.
Comment: This sequence change affects the initiator methionine of the MCCC2 mRNA. The next in-frame methionine is located at codon 49. The frequency data for this variant in the population databases is considered unreliable, as metrics indicate poor data quality at this position in the gnomAD database. Disruption of the initiator codon has been observed in individual(s) with 3-methylcrotonyl-CoA carboxylase deficiency (PMID: 36822454). This variant disrupts a region of the MCCC2 protein in which other variant(s) (p.Tyr23Ser) have been determined to be pathogenic (internal data). This suggests that this is a clinically significant region of the protein, and that variants that disrupt it are likely to be disease-causing. For these reasons, this variant has been classified as Pathogenic.

Literature cited by the submitters: PubMed 36822454.

NM_022132.5(MCCC2):c.1A>G (p.Met1Val)

Gene: MCCC2 (methylcrotonyl-CoA carboxylase subunit 2; plus strand). Cytogenetic location: 5q13.2.
Variant type: single nucleotide variant.
Coding change: c.1A>G on transcript NM_022132.5 (MANE Select); coding-DNA position 1, A replaced by G.
Protein change: p.Met1Val; changes the start codon (methionine 1).
Molecular consequence: missense variant, initiator codon variant.
Genome position (GRCh38, 1-based): chr5:71,587,426, A>G. VCF-style: chr5-71587426-A-G. GRCh37 (hg19) VCF-style: chr5-70883253-A-G.
Other names: c.1A>G, p.Met1Val (NM_001363147.1); short protein forms M1V.
Identifiers: ClinVar variation 3607013 (VCV003607013.2).